The following is an entry in ClinVar:

ClinVar aggregate classification (germline): Benign/Likely benign. Review status: criteria provided, multiple submitters, no conflicts (2 of 4 stars). 6 submissions from 6 submitters: Benign (5); Likely benign (1). Last evaluated 2026-02-04.

Conditions:
Usher syndrome type 2C. Also called: Usher syndrome, type 2B; USHER SYNDROME, TYPE IIC. Identifiers: Orphanet 231178, Orphanet 886, MedGen C2931213, MONDO:0011558, OMIM 605472.
Febrile seizures, familial, 4 (FEB4). Also called: CONVULSIONS, FAMILIAL FEBRILE, 4. Identifiers: MedGen C1858493, MONDO:0011443, OMIM 604352.

Allele frequency attached by ClinVar (database versions not stated): gnomAD exomes 0.00434; 1000 Genomes Project 0.01298; ESP Exome Variant Server 0.00106; gnomAD 0.06843 and 0.07015; ExAC 0.18455.

Submissions (6):

Labcorp Genetics (formerly Invitae), Labcorp
Classification: Benign. Last evaluated: 2026-02-04. Review status: criteria provided, single submitter. Criteria: Invitae Variant Classification Sherloc (09022015). Collection method: clinical testing. Allele origin: germline.

Fulgent Genetics
Classification: Benign for Febrile seizures, familial, 4; Usher syndrome type 2C. Last evaluated: 2022-03-28. Review status: criteria provided, single submitter. Criteria: ACMG Guidelines, 2015. Collection method: clinical testing. Allele origin: unknown.

Athena Diagnostics
Classification: Benign. Last evaluated: 2018-10-02. Review status: criteria provided, single submitter. Criteria: Athena Diagnostics Criteria. Collection method: clinical testing. Allele origin: germline.

GeneDx
Classification: Benign. Last evaluated: 2018-05-04. Review status: criteria provided, single submitter. Criteria: GeneDx Variant Classification Process June 2021. Collection method: clinical testing. Allele origin: germline. Affected: yes.

Eurofins Ntd Llc (ga)
Classification: Likely benign. Last evaluated: 2014-12-19. Review status: criteria provided, single submitter. Criteria: EGL Classification Definitions 2015. Collection method: clinical testing. Allele origin: germline. Observed: 6 variant alleles, 6 heterozygotes.

Laboratory for Molecular Medicine, Mass General Brigham Personalized Medicine
Classification: Benign. Last evaluated: 2014-11-07. Review status: criteria provided, single submitter. Criteria: LMM Criteria. Collection method: clinical testing. Allele origin: germline. Observed: 13 variant alleles.
Comment: c.8730+10_8730+11insC in intron 38 of GPR98: This variant is not expected to hav e clinical significance because it has been identified in 4.2% (15/358) of Latin American (Puerto Rican, Mexican-American, Columbian) chromosomes and 2.4% (14/5 72) of East Asian (Chinese and Japanese) chromosomes by the 1000 Genomes Project (dbSNP rs377585302).

NM_032119.4(ADGRV1):c.8730+10_8730+11insC

Gene: ADGRV1 (adhesion G protein-coupled receptor V1; plus strand). Cytogenetic location: 5q14.3.
Variant type: Insertion.
Coding change: c.8730+10_8730+11insC on transcript NM_032119.4 (MANE Select); bases 10 to 11 of the intron after coding-DNA position 8730, C inserted.
Molecular consequence: intron variant.
Genome position: GRCh38 VCF-style: chr5-90706404-T-TC. GRCh37 (hg19) VCF-style: chr5-90002221-T-TC.
Identifiers: ClinVar variation 46397 (VCV000046397.20), dbSNP rs377585302, ClinGen allele CA138257.